The following is an entry in ClinVar:

ClinVar aggregate classification (germline): Uncertain significance (1 of 4 stars; one submission).

Conditions:
Kleefstra syndrome 1 (KLEFS1). Identifiers: Orphanet 261494, MedGen C0795833, MONDO:0027407, OMIM 610253.

Submission:

Labcorp Genetics (formerly Invitae), Labcorp
Classification: Uncertain significance for Kleefstra syndrome 1. Last evaluated: 2025-05-30. Review status: criteria provided, single submitter. Criteria: Invitae Variant Classification Sherloc (09022015). Collection method: clinical testing. Allele origin: germline.
Comment: This sequence change replaces aspartic acid, which is acidic and polar, with glutamic acid, which is acidic and polar, at codon 1248 of the EHMT1 protein (p.Asp1248Glu). This variant is not present in population databases (gnomAD no frequency). This variant has not been reported in the literature in individuals affected with EHMT1-related conditions. Invitae Evidence Modeling of protein sequence and biophysical properties (such as structural, functional, and spatial information, amino acid conservation, physicochemical variation, residue mobility, and thermodynamic stability) indicates that this missense variant is not expected to disrupt EHMT1 protein function with a negative predictive value of 80%. In summary, the available evidence is currently insufficient to determine the role of this variant in disease. Therefore, it has been classified as a Variant of Uncertain Significance.

NM_024757.5(EHMT1):c.3744C>A (p.Asp1248Glu)

Gene: EHMT1 (euchromatic histone lysine methyltransferase 1; plus strand). Cytogenetic location: 9q34.3.
Variant type: single nucleotide variant.
Coding change: c.3744C>A on transcript NM_024757.5 (MANE Select); coding-DNA position 3744, C replaced by A.
Protein change: p.Asp1248Glu; replaces aspartic acid 1248 with glutamic acid.
Molecular consequence: missense variant.
Genome position (GRCh38, 1-based): chr9:137,834,800, C>A. VCF-style: chr9-137834800-C-A. GRCh37 (hg19) VCF-style: chr9-140729252-C-A.
Other names: c.3723C>A, p.Asp1241Glu (NM_001354263.2); short protein forms D1241E, D1248E.
Identifiers: ClinVar variation 4744376 (VCV004744376.1).